The following is an entry in ClinVar:

ClinVar aggregate classification (germline): Benign/Likely benign. Review status: criteria provided, multiple submitters, no conflicts (2 of 4 stars). 2 submissions from 2 submitters: Benign (1); Likely benign (1). Last evaluated 2024-12-26.

Conditions:
Lynch syndrome 5 (LYNCH5). Also called: Colorectal cancer, hereditary nonpolyposis, type 5; Hereditary non-polyposis colorectal cancer, type 5. Identifiers: Orphanet 144, MedGen C1833477, MONDO:0013710, OMIM 614350. Disease mechanism: loss of function.
Hereditary nonpolyposis colorectal neoplasms. Identifiers: MedGen C0009405, MeSH D003123.

Submissions (2):

Myriad Genetics, Inc.
Classification: Benign for Lynch syndrome 5. Last evaluated: 2024-12-26. Review status: criteria provided, single submitter. Criteria: Myriad Autosomal Dominant, Autosomal Recessive and X-Linked Classification Criteria (2023). Collection method: clinical testing. Allele origin: unknown.
Comment: This variant is considered benign. This variant is a silent/synonymous amino acid change and it is not expected to impact splicing.

Labcorp Genetics (formerly Invitae), Labcorp
Classification: Likely benign for Hereditary nonpolyposis colorectal neoplasms. Last evaluated: 2018-07-25. Review status: criteria provided, single submitter. Criteria: Invitae Variant Classification Sherloc (09022015). Collection method: clinical testing. Allele origin: germline.

NM_000179.3(MSH6):c.1341G>C (p.Leu447=)

Gene: MSH6 (mutS homolog 6; plus strand). Cytogenetic location: 2p16.3.
Variant type: single nucleotide variant.
Coding change: c.1341G>C on transcript NM_000179.3 (MANE Select); coding-DNA position 1341, G replaced by C.
Protein change: p.Leu447=; no amino-acid change (leucine 447 retained).
Molecular consequence: synonymous variant.
Genome position (GRCh38, 1-based): chr2:47,799,324, G>C. VCF-style: chr2-47799324-G-C. GRCh37 (hg19) VCF-style: chr2-48026463-G-C.
Other names: c.951G>C, p.Leu317= (NM_001281492.2); c.435G>C, p.Leu145= (NM_001281493.2, NM_001281494.2).
Identifiers: ClinVar variation 763689 (VCV000763689.9), dbSNP rs1572722623, ClinGen allele CA426121047.